The following is an entry in ClinVar:

NM_001358530.2(MOCS1):c.199_202dup (p.Gln68fs)

Gene: MOCS1 (molybdenum cofactor synthesis 1; minus strand). Cytogenetic location: 6p21.2.
Variant type: Microsatellite.
Coding change: c.199_202dup on transcript NM_001358530.2 (MANE Select); coding-DNA positions 199 to 202, 4 bases duplicated (CGGC; older notation c.199_202dupCGGC).
Protein change: p.Gln68fs; shifts the reading frame from glutamine 68.
Molecular consequence: frameshift variant. On other transcripts: 5 prime UTR variant (1), intron variant (2).
Genome position (GRCh38, 1-based): chr6:39,927,377-39,927,380, GCCG duplicated on the plus strand (CGGC on the coding strand, the reverse complement: MOCS1 is on the minus strand); duplicating any 4 consecutive bases within chr6:39,927,377-39,927,384 gives the same sequence; the c. name uses the placement nearest the transcript's 3' end. VCF-style (leftmost placement, unchanged base first): chr6-39927376-T-TGCCG. GRCh37 (hg19) VCF-style: chr6-39895115-T-TGCCG.
Other names: c.199_202dup, p.Gln68fs (NM_001075098.4, NM_001358529.2, NM_005943.6); c.-67CGGC[3] (NM_001358534.2); c.-11-1539CGGC[3] (NM_001358531.2, NM_001358533.2); short protein forms Q68fs.
Identifiers: ClinVar variation 5007059 (VCV005007059.2).

ClinVar aggregate classification (germline): Pathogenic (1 of 4 stars; one submission).

Conditions:
Sulfite oxidase deficiency due to molybdenum cofactor deficiency type A. Also called: Molybdenum cofactor deficiency, complementation group A; Molybdenum Cofactor Deficiency A. Identifiers: Orphanet 308386, Orphanet 833, MedGen C1854988, MONDO:0009643, OMIM 252150.

Submission:

Juno Genomics, Hangzhou Juno Genomics, Inc
Classification: Pathogenic for Sulfite oxidase deficiency due to molybdenum cofactor deficiency type A. Review status: criteria provided, single submitter. Criteria: ACMG Guidelines, 2015. Collection method: clinical testing. Allele origin: germline.
Comment: Absent from controls (or at extremely low frequency if recessive) in Genome Aggregation Database.;Null variant in a gene where loss of function (LOF) is a known mechanism of disease.;For recessive disorders, detected in trans with a pathogenic variant.